The following is an entry in ClinVar:

ClinVar aggregate classification (germline): Uncertain significance (1 of 4 stars; one submission).

Allele frequency attached by ClinVar (database versions not stated): gnomAD exomes below 0.00001.
gnomAD v4.1: 1 of 1,611,490 alleles (0.000062%); highest among the groups gnomAD compares: Non-Finnish European, 0.000085%; no homozygotes.

Submission:

Labcorp Genetics (formerly Invitae), Labcorp
Classification: Uncertain significance. Last evaluated: 2022-05-12. Review status: criteria provided, single submitter. Criteria: Invitae Variant Classification Sherloc (09022015). Collection method: clinical testing. Allele origin: germline.
Comment: In summary, the available evidence is currently insufficient to determine the role of this variant in disease. Therefore, it has been classified as a Variant of Uncertain Significance. Algorithms developed to predict the effect of missense changes on protein structure and function (SIFT, PolyPhen-2, Align-GVGD) all suggest that this variant is likely to be tolerated. This variant has not been reported in the literature in individuals affected with NACC1-related conditions. This variant is not present in population databases (gnomAD no frequency). This sequence change replaces alanine, which is neutral and non-polar, with valine, which is neutral and non-polar, at codon 523 of the NACC1 protein (p.Ala523Val).

NM_052876.4(NACC1):c.1568C>T (p.Ala523Val)

Gene: NACC1 (nucleus accumbens associated 1; plus strand). Cytogenetic location: 19p13.13.
Variant type: single nucleotide variant.
Coding change: c.1568C>T on transcript NM_052876.4 (MANE Select); coding-DNA position 1568, C replaced by T.
Protein change: p.Ala523Val; replaces alanine 523 with valine.
Molecular consequence: missense variant.
Genome position (GRCh38, 1-based): chr19:13,138,390, C>T. VCF-style: chr19-13138390-C-T. GRCh37 (hg19) VCF-style: chr19-13249204-C-T.
Other names: short protein forms A523V.
Identifiers: ClinVar variation 2106922 (VCV002106922.4), dbSNP rs2019736830, ClinGen allele CA404330396.
Genomic context (GRCh38, chr19:13,138,390, plus strand): 5'-TGATGGGTGTGGAGCATGGCTTCGAGACCGCCAGCCACGAGGGCGAGGCGGGTCCCTCGG[C>T]TGAAGCCCTGCAGTAACCCGCCCAGCCTCCCGCGGGGCCACACACTTCCCCTCCCAACAC-3'
Protein context (NP_443108.1, residues 513-527): ASHEGEAGPS[Ala523Val]EALQ